The following is an entry in ClinVar:

ClinVar aggregate classification (germline): Uncertain significance (1 of 4 stars; one submission).

Conditions:
TTN-related disorder. Also called: TTN-related condition; TTN-related disease; TTN-related disorders.

gnomAD v4.1: 37 of 1,613,614 alleles (0.0023%); highest among the groups gnomAD compares: Non-Finnish European, 0.0031%; no homozygotes.

Submission:

PreventionGenetics, part of Exact Sciences
Classification: Uncertain significance for TTN-related condition. Last evaluated: 2025-10-28. Review status: criteria provided, single submitter. Criteria: ACMG Guidelines, 2015. Collection method: clinical testing. Allele origin: germline.
Comment: The TTN c.14643G>C variant is predicted to result in the amino acid substitution p.Glu4881Asp. To our knowledge, this variant has not been reported in the literature. This variant is reported in 0.0023% of alleles in individuals of European (Non-Finnish) descent in gnomAD. At this time, the clinical significance of this variant is uncertain due to the absence of conclusive functional and genetic evidence.

NM_001267550.2(TTN):c.14643G>C (p.Glu4881Asp)

Gene: TTN (titin; minus strand). Cytogenetic location: 2q31.2.
Variant type: single nucleotide variant.
Coding change: c.14643G>C on transcript NM_001267550.2 (MANE Select); coding-DNA position 14643, G replaced by C.
Protein change: p.Glu4881Asp; replaces glutamic acid 4881 with aspartic acid.
Molecular consequence: missense variant. On other transcripts: intron variant (3).
Genome position (GRCh38, 1-based): chr2:178,735,803, C>G on the plus strand (G>C on the coding strand, the complement: TTN is on the minus strand). VCF-style: chr2-178735803-C-G. GRCh37 (hg19) VCF-style: chr2-179600530-C-G.
Other names: c.13692G>C, p.Glu4564Asp (NM_001256850.1); c.10911G>C, p.Glu3637Asp (NM_133378.4); c.13282+2279G>C (NM_003319.4); c.13858+2279G>C (NM_133437.4); c.13657+2279G>C (NM_133432.3); short protein forms E4881D, E3637D, E4564D.
Identifiers: ClinVar variation 4978370 (VCV004978370.1).
Genomic context (GRCh38, chr2:178,735,803, plus strand): 5'-GATAGCGGACTGCACAGGCTCTAATTCTTTAATGAAATGTGGCTTATCAATGATGATCAA[C>G]TCTGCTTGGCAGATGTCTGCTCCAAACTTGTTGGAAGCCTTACAAGAATAAACTCCTCTA-3'
Protein context (NP_001254479.2, residues 4871-4891): NKFGADICQA[Glu4881Asp]LIIIDKPHFI